The following is an entry in ClinVar:

NM_000051.4(ATM):c.5204C>A (p.Thr1735Asn)

Gene: ATM (ATM serine/threonine kinase; plus strand). Cytogenetic location: 11q22.3.
Variant type: single nucleotide variant.
Coding change: c.5204C>A on transcript NM_000051.4 (MANE Select); coding-DNA position 5204, C replaced by A.
Protein change: p.Thr1735Asn; replaces threonine 1735 with asparagine.
Molecular consequence: missense variant.
Genome position (GRCh38, 1-based): chr11:108,301,674, C>A. VCF-style: chr11-108301674-C-A. GRCh37 (hg19) VCF-style: chr11-108172401-C-A.
Other names: c.5204C>A, p.Thr1735Asn (NM_001351834.2); short protein forms T1735N.
Identifiers: ClinVar variation 1746051 (VCV001746051.5), dbSNP rs1555105650, ClinGen allele CA382542213.

ClinVar aggregate classification (germline): Uncertain significance. Review status: criteria provided, multiple submitters, no conflicts (2 of 4 stars). 2 submissions from 2 submitters: Uncertain significance (2). Last evaluated 2025-04-21.

Conditions:
Hereditary cancer-predisposing syndrome. Also called: Neoplastic Syndromes, Hereditary; Tumor predisposition; Hereditary Cancer Syndrome; Hereditary neoplastic syndrome. Identifiers: Orphanet 140162, MedGen C0027672, MeSH D009386, MONDO:0015356.
Ataxia-telangiectasia syndrome (AT). Also called: LOUIS-BAR SYNDROME; Cerebello-oculocutaneous telangiectasia; Immunodeficiency with ataxia telangiectasia; Ataxia-telangiectasia, complementation group D; AT, COMPLEMENTATION GROUP C; ATAXIA-TELANGIECTASIA, COMPLEMENTATION GROUP A. Identifiers: Orphanet 100, MedGen C0004135, MONDO:0008840, OMIM 208900.

Submissions (2):

Labcorp Genetics (formerly Invitae), Labcorp
Classification: Uncertain significance for Ataxia-telangiectasia syndrome. Last evaluated: 2025-04-21. Review status: criteria provided, single submitter. Criteria: Invitae Variant Classification Sherloc (09022015). Collection method: clinical testing. Allele origin: germline.
Comment: This sequence change replaces threonine, which is neutral and polar, with asparagine, which is neutral and polar, at codon 1735 of the ATM protein (p.Thr1735Asn). This variant is not present in population databases (gnomAD no frequency). This variant has not been reported in the literature in individuals affected with ATM-related conditions. ClinVar contains an entry for this variant (Variation ID: 1746051). Invitae Evidence Modeling of protein sequence and biophysical properties (such as structural, functional, and spatial information, amino acid conservation, physicochemical variation, residue mobility, and thermodynamic stability) indicates that this missense variant is not expected to disrupt ATM protein function with a negative predictive value of 95%. Algorithms developed to predict the effect of sequence changes on RNA splicing suggest that this variant may disrupt the consensus splice site. In summary, the available evidence is currently insufficient to determine the role of this variant in disease. Therefore, it has been classified as a Variant of Uncertain Significance.

Ambry Genetics
Classification: Uncertain significance for Hereditary cancer-predisposing syndrome. Last evaluated: 2017-11-01. Review status: criteria provided, single submitter. Criteria: Ambry Variant Classification Scheme 2023. Collection method: clinical testing. Allele origin: germline.
Comment: The p.T1735N variant (also known as c.5204C>A), located in coding exon 34 of the ATM gene, results from a C to A substitution at nucleotide position 5204. The threonine at codon 1735 is replaced by asparagine, an amino acid with similar properties. This amino acid position is not well conserved in available vertebrate species. In addition, this alteration is predicted to be tolerated by in silico analysis. Since supporting evidence is limited at this time, the clinical significance of this alteration remains unclear.